The following is an entry in ClinVar:

NM_020937.4(FANCM):c.3785G>A (p.Arg1262Lys)

Gene: FANCM (FA complementation group M; plus strand). Cytogenetic location: 14q21.2.
Variant type: single nucleotide variant.
Coding change: c.3785G>A on transcript NM_020937.4 (MANE Select); coding-DNA position 3785, G replaced by A.
Protein change: p.Arg1262Lys; replaces arginine 1262 with lysine.
Molecular consequence: missense variant.
Genome position (GRCh38, 1-based): chr14:45,176,539, G>A. VCF-style: chr14-45176539-G-A. GRCh37 (hg19) VCF-style: chr14-45645742-G-A.
Other names: c.3707G>A, p.Arg1236Lys (NM_001308133.2); short protein forms R1262K, R1236K.
Identifiers: ClinVar variation 1517062 (VCV001517062.6), dbSNP rs2139251254, ClinGen allele CA389603016.

ClinVar aggregate classification (germline): Uncertain significance (1 of 4 stars; one submission).

Conditions:
Fanconi anemia (FA). Also called: Fanconi's anemia. Identifiers: Orphanet 84, MedGen C0015625, MeSH D005199, MONDO:0019391.

gnomAD v4.1: 1 of 1,600,322 alleles (0.000062%); no homozygotes.

Submission:

Labcorp Genetics (formerly Invitae), Labcorp
Classification: Uncertain significance for Fanconi anemia. Last evaluated: 2024-04-30. Review status: criteria provided, single submitter. Criteria: Invitae Variant Classification Sherloc (09022015). Collection method: clinical testing. Allele origin: germline.
Comment: This sequence change replaces arginine, which is basic and polar, with lysine, which is basic and polar, at codon 1262 of the FANCM protein (p.Arg1262Lys). This variant is not present in population databases (gnomAD no frequency). This variant has not been reported in the literature in individuals affected with FANCM-related conditions. ClinVar contains an entry for this variant (Variation ID: 1517062). Algorithms developed to predict the effect of missense changes on protein structure and function output the following: SIFT: "Not Available"; PolyPhen-2: "Benign"; Align-GVGD: "Not Available". The lysine amino acid residue is found in multiple mammalian species, which suggests that this missense change does not adversely affect protein function. In summary, the available evidence is currently insufficient to determine the role of this variant in disease. Therefore, it has been classified as a Variant of Uncertain Significance.